The following is an entry in ClinVar:

ClinVar aggregate classification (germline): Uncertain significance. Review status: criteria provided, multiple submitters, no conflicts (2 of 4 stars). 4 submissions from 4 submitters: Uncertain significance (4). Last evaluated 2024-12-08.

Conditions:
RYR1-related disorder. Also called: RYR1-related condition; RYR1-related disorders. Identifiers: MedGen CN239331.
King Denborough syndrome (KDS). Identifiers: MedGen C1840365, MONDO:0020485, OMIM 619542.
Congenital multicore myopathy with external ophthalmoplegia (CMYO1B). Also called: MULTIMINICORE DISEASE WITH EXTERNAL OPHTHALMOPLEGIA; MULTICORE MYOPATHY; Congenital myopathy 1B, autosomal recessive; Minicore myopathy; Minicore myopathy with external ophthalmoplegia. Identifiers: Orphanet 598, Orphanet 98905, MedGen C1850674, MONDO:0009712, OMIM 255320, HP:0003789.
Congenital myopathy with fiber type disproportion. Also called: Congenital fiber-type disproportion myopathy; Congenital fiber-type disproportion. Identifiers: Orphanet 2020, MedGen C0546264, MONDO:0009711. Inheritance: all.
Central core myopathy (CMYO1A). Also called: CONGENITAL MYOPATHY 1A, AUTOSOMAL DOMINANT, WITH SUSCEPTIBILITY TO MALIGNANT HYPERTHERMIA; Central core disease; Myopathy, central fibrillar. Identifiers: Orphanet 597, MedGen C5830701, MONDO:0007294, OMIM 117000.
Malignant hyperthermia, susceptibility to, 1 (MHS1). Also called: RYR1-Related Malignant Hyperthermia Susceptibility; Malignant hyperthermia suceptibility 1; Anesthesia related hyperthermia; Malignant hyperpyrexia; Fulminating hyperpyrexia; Pharmacogenic myopathy. Identifiers: Orphanet 423, MedGen C2930980, MONDO:0007783, OMIM 145600.

Allele frequency attached by ClinVar (database versions not stated): gnomAD exomes below 0.00001 and 0.00002; ExAC 0.00002; gnomAD 0.00005 and 0.00006; TOPMed 0.00007.
gnomAD v4.1: 14 of 1,613,106 alleles (0.00087%); highest among the groups gnomAD compares: African/African-American, 0.012%; no homozygotes.

Submissions (4):

Labcorp Genetics (formerly Invitae), Labcorp
Classification: Uncertain significance for RYR1-related disorder. Last evaluated: 2024-12-08. Review status: criteria provided, single submitter. Criteria: Invitae Variant Classification Sherloc (09022015). Collection method: clinical testing. Allele origin: germline.
Comment: This sequence change replaces arginine, which is basic and polar, with histidine, which is basic and polar, at codon 4187 of the RYR1 protein (p.Arg4187His). This variant is present in population databases (rs767099429, gnomAD 0.02%). This variant has not been reported in the literature in individuals affected with RYR1-related conditions. ClinVar contains an entry for this variant (Variation ID: 644294). Invitae Evidence Modeling of protein sequence and biophysical properties (such as structural, functional, and spatial information, amino acid conservation, physicochemical variation, residue mobility, and thermodynamic stability) indicates that this missense variant is not expected to disrupt RYR1 protein function with a negative predictive value of 80%. In summary, the available evidence is currently insufficient to determine the role of this variant in disease. Therefore, it has been classified as a Variant of Uncertain Significance.

Color Diagnostics, LLC DBA Color Health
Classification: Uncertain significance for Malignant hyperthermia, susceptibility to, 1. Last evaluated: 2024-03-06. Review status: criteria provided, single submitter. Criteria: ACMG Guidelines, 2015. Collection method: clinical testing. Allele origin: germline.
Comment: This missense variant replaces arginine with histidine at codon 4187 of the RYR1 protein. Computational prediction is inconclusive regarding the impact of this variant on protein structure and function. To our knowledge, functional studies have not been reported for this variant. This variant has not been reported in individuals affected with malignant hyperthermia in the literature. This variant has been identified in 5/280844 chromosomes in the general population by the Genome Aggregation Database (gnomAD). The available evidence is insufficient to determine the role of this variant in disease conclusively. Therefore, this variant is classified as a Variant of Uncertain Significance.

All of Us Research Program, National Institutes of Health
Classification: Uncertain significance for Malignant hyperthermia, susceptibility to, 1. Last evaluated: 2023-11-20. Review status: criteria provided, single submitter. Criteria: ACMG Guidelines, 2015. Collection method: clinical testing. Allele origin: germline. Inheritance: Autosomal dominant inheritance. Observed: 4 variant alleles, 4 heterozygotes.
Comment: This missense variant replaces arginine with histidine at codon 4187 of the RYR1 protein. Computational prediction is inconclusive regarding the impact of this variant on protein structure and function (internally defined REVEL score threshold 0.5 < inconclusive < 0.7, PMID: 27666373). To our knowledge, functional studies have not been reported for this variant. This variant has not been reported in individuals affected with malignant hyperthermia in the literature. This variant has been identified in 5/280844 chromosomes in the general population by the Genome Aggregation Database (gnomAD). The available evidence is insufficient to determine the role of this variant in disease conclusively. Therefore, this variant is classified as a Variant of Uncertain Significance.

This study involves interpretation of variants in research participants for the purpose of population health screening. Participant phenotype was not available at the time of variant classification. Additional details can be found in publication PMID: 35346344, PMCID: PMC8962531

Fulgent Genetics
Classification: Uncertain significance for Central core myopathy; Malignant hyperthermia, susceptibility to, 1; Congenital myopathy 4A, autosomal dominant; Congenital multicore myopathy with external ophthalmoplegia; King Denborough syndrome. Last evaluated: 2021-08-10. Review status: criteria provided, single submitter. Criteria: ACMG Guidelines, 2015. Collection method: clinical testing. Allele origin: unknown.

NM_000540.3(RYR1):c.12560G>A (p.Arg4187His)

Gene: RYR1 (ryanodine receptor 1; plus strand). Cytogenetic location: 19q13.2.
Variant type: single nucleotide variant.
Coding change: c.12560G>A on transcript NM_000540.3 (MANE Select); coding-DNA position 12560, G replaced by A.
Protein change: p.Arg4187His; replaces arginine 4187 with histidine.
Molecular consequence: missense variant.
Genome position (GRCh38, 1-based): chr19:38,561,390, G>A. VCF-style: chr19-38561390-G-A. GRCh37 (hg19) VCF-style: chr19-39052030-G-A.
Other names: c.12545G>A, p.Arg4182His (NM_001042723.2); short protein forms R4182H, R4187H.
Identifiers: ClinVar variation 644294 (VCV000644294.10), dbSNP rs767099429, ClinGen allele CA059101.